The following is an entry in ClinVar:

NM_001367561.1(DOCK7):c.2612G>A (p.Gly871Glu)

Gene: DOCK7 (dedicator of cytokinesis 7; minus strand). Cytogenetic location: 1p31.3.
Variant type: single nucleotide variant.
Coding change: c.2612G>A on transcript NM_001367561.1 (MANE Select); coding-DNA position 2612, G replaced by A.
Protein change: p.Gly871Glu; replaces glycine 871 with glutamic acid.
Molecular consequence: missense variant.
Genome position (GRCh38, 1-based): chr1:62,552,886, C>T on the plus strand (G>A on the coding strand, the complement: DOCK7 is on the minus strand). VCF-style: chr1-62552886-C-T. GRCh37 (hg19) VCF-style: chr1-63018557-C-T.
Other names: c.2612G>A, p.Gly871Glu (NM_001271999.2, NM_001272000.2, NM_001272001.2 and 2 more transcripts); c.2612G>A (NM_033407.2); short protein forms G871E.
Identifiers: ClinVar variation 445702 (VCV000445702.15), dbSNP rs142531051, ClinGen allele CA886213.

ClinVar aggregate classification (germline): Uncertain significance. Review status: criteria provided, multiple submitters, no conflicts (2 of 4 stars). 6 submissions from 6 submitters: Uncertain significance (6). Last evaluated 2025-08-29.

Conditions:
Inborn genetic diseases. Identifiers: MedGen C0950123, MeSH D030342.
Developmental and epileptic encephalopathy, 23 (DEE23). Also called: Epileptic encephalopathy, early infantile, 23. Identifiers: Orphanet 411986, MedGen C4014492, MONDO:0014371, OMIM 615859.

Allele frequency attached by ClinVar (database versions not stated): gnomAD 0.00007 and 0.00008; TOPMed 0.00008; gnomAD exomes 0.00012 and 0.00014; ExAC 0.00017; ESP Exome Variant Server 0.00038.
gnomAD v4.1: 213 of 1,607,814 alleles (0.013%); highest among the groups gnomAD compares: Non-Finnish European, 0.018%; no homozygotes.

Submissions (6):

Labcorp Genetics (formerly Invitae), Labcorp
Classification: Uncertain significance for Developmental and epileptic encephalopathy, 23. Last evaluated: 2025-08-29. Review status: criteria provided, single submitter. Criteria: Invitae Variant Classification Sherloc (09022015). Collection method: clinical testing. Allele origin: germline.
Comment: This sequence change replaces glycine, which is neutral and non-polar, with glutamic acid, which is acidic and polar, at codon 871 of the DOCK7 protein (p.Gly871Glu). This variant is present in population databases (rs142531051, gnomAD 0.03%). This variant has not been reported in the literature in individuals affected with DOCK7-related conditions. ClinVar contains an entry for this variant (Variation ID: 445702). Invitae Evidence Modeling of protein sequence and biophysical properties (such as structural, functional, and spatial information, amino acid conservation, physicochemical variation, residue mobility, and thermodynamic stability) indicates that this missense variant is not expected to disrupt DOCK7 protein function with a negative predictive value of 80%. In summary, the available evidence is currently insufficient to determine the role of this variant in disease. Therefore, it has been classified as a Variant of Uncertain Significance.

Women's Health and Genetics/Laboratory Corporation of America, LabCorp
Classification: Uncertain significance. Last evaluated: 2024-03-06. Review status: criteria provided, single submitter. Criteria: LabCorp Variant Classification Summary - May 2015. Collection method: clinical testing. Allele origin: germline.
Comment: Variant summary: DOCK7 c.2612G>A (p.Gly871Glu) results in a non-conservative amino acid change in the encoded protein sequence. Three of five in-silico tools predict a benign effect of the variant on protein function. The variant allele was found at a frequency of 0.00012 in 248256 control chromosomes. This frequency does not allow conclusion about variant significance. To our knowledge, no occurrence of c.2612G>A in individuals affected with Developmental And Epileptic Encephalopathy, 23 and no experimental evidence demonstrating its impact on protein function have been reported. ClinVar contains an entry for this variant (Variation ID: 445702). Based on the evidence outlined above, the variant was classified as uncertain significance.

Genome-Nilou Lab
Classification: Uncertain significance for Developmental and epileptic encephalopathy, 23. Last evaluated: 2023-04-11. Review status: criteria provided, single submitter. Criteria: ACMG Guidelines, 2015. Collection method: clinical testing. Allele origin: germline. Affected: no.

GeneDx
Classification: Uncertain significance. Last evaluated: 2022-01-13. Review status: criteria provided, single submitter. Criteria: GeneDx Variant Classification Process June 2021. Collection method: clinical testing. Allele origin: germline. Affected: yes.
Comment: In silico analysis supports that this missense variant does not alter protein structure/function; Has not been previously published as pathogenic or benign to our knowledge

Ambry Genetics
Classification: Uncertain significance for Inborn genetic diseases. Last evaluated: 2021-09-16. Review status: criteria provided, single submitter. Criteria: Ambry Variant Classification Scheme 2023. Collection method: clinical testing. Allele origin: germline.

Center for Pediatric Genomic Medicine, Children's Mercy Hospital and Clinics
Classification: Uncertain significance. Last evaluated: 2017-07-19. Review status: criteria provided, single submitter. Criteria: ACMG Guidelines, 2015. Collection method: clinical testing. Allele origin: germline.